The following is an entry in ClinVar:

ClinVar aggregate classification (germline): other (0 of 4 stars; one submission).

Conditions:
Malignant tumor of urinary bladder. Also called: Urinary bladder cancer; Urinary Bladder Neoplasms; Bladder cancer. Identifiers: MedGen C0005684, MONDO:0001187, OMIM 109800.

Allele frequency attached by ClinVar (database versions not stated): gnomAD 0.00001 and 0.00003; TOPMed 0.00001.
gnomAD v4.1: 4 of 152,106 alleles (0.0026%); highest among the groups gnomAD compares: South Asian, 0.041%; 1 homozygote.

Submission:

Gray Institute for Radiation Oncology & Biology, University of Oxford
Classification: other. Review status: no assertion criteria provided. Collection method: not provided. Allele origin: germline.
Comment: Detected by next-generation sequencing & confirmed by Sanger sequencing

NM_005591.4(MRE11):c.1783+561G>A

Gene: MRE11 (MRE11 double strand break repair nuclease; minus strand). Cytogenetic location: 11q21.
Variant type: single nucleotide variant.
Coding change: c.1783+561G>A on transcript NM_005591.4 (MANE Select); 561 bases into the intron after coding-DNA position 1783, G replaced by A.
Molecular consequence: intron variant.
Genome position (GRCh38, 1-based): chr11:94,446,658, C>T on the plus strand (G>A on the coding strand, the complement: MRE11 is on the minus strand). VCF-style: chr11-94446658-C-T. GRCh37 (hg19) VCF-style: chr11-94179824-C-T.
Other names: c.1783+561G>A (NM_001330347.2, NM_005590.4).
Identifiers: ClinVar variation 60656 (VCV000060656.1), dbSNP rs397509357, ClinGen allele CA144597.